The following is an entry in ClinVar:

NM_000051.4(ATM):c.8712G>A (p.Glu2904=)

Genes: ATM (ATM serine/threonine kinase; plus strand), C11orf65 (chromosome 11 open reading frame 65; minus strand). Cytogenetic location: 11q22.3.
Variant type: single nucleotide variant.
Coding change: c.8712G>A on transcript NM_000051.4 (MANE Select); coding-DNA position 8712, G replaced by A.
Protein change: p.Glu2904=; no amino-acid change (glutamic acid 2904 retained).
Molecular consequence: synonymous variant. On other transcripts: intron variant (2).
Genome position (GRCh38, 1-based): chr11:108,353,806, G>A. VCF-style: chr11-108353806-G-A. GRCh37 (hg19) VCF-style: chr11-108224533-G-A.
Other names: c.8712G>A, p.Glu2904= (NM_001351834.2); c.640+32114C>T (NM_001330368.2); c.695-18514C>T (NM_001351110.2).
Identifiers: ClinVar variation 796067 (VCV000796067.12), dbSNP rs1349488841, ClinGen allele CA476673846.
Genomic context (GRCh38, chr11:108,353,806, plus strand): 5'-CACTGTATTCTTTACTTTAGGTGTTGCTTTTGAACAGGGCAAAATCCTTCCTACTCCTGA[G>A]ACAGTTCCTTTTAGACTCACCAGAGATATTGTGGATGGCATGGGCATTACGGGTGTTGAA-3'
Protein context (NP_000042.3, residues 2894-2914): FEQGKILPTP[Glu2904=]TVPFRLTRDI

ClinVar aggregate classification (germline): Benign/Likely benign. Review status: criteria provided, multiple submitters, no conflicts (2 of 4 stars). 4 submissions from 4 submitters: Benign (1); Likely benign (3). Last evaluated 2026-07-30.

Conditions:
ATM-related disorder. Also called: ATM-related disorders; ATM-related condition.
Hereditary cancer-predisposing syndrome. Also called: Tumor predisposition; Neoplastic Syndromes, Hereditary; Hereditary Cancer Syndrome; Hereditary neoplastic syndrome. Identifiers: Orphanet 140162, MedGen C0027672, MeSH D009386, MONDO:0015356.
Familial cancer of breast. Also called: Hereditary breast cancer; BREAST CANCER, FAMILIAL; hereditary breast carcinoma. Identifiers: Orphanet 227535, MedGen C0346153, MONDO:0016419, OMIM 114480. Disease mechanism: loss of function.
Ataxia-telangiectasia syndrome (AT). Also called: ATAXIA-TELANGIECTASIA, COMPLEMENTATION GROUP A; ATAXIA-TELANGIECTASIA, FRESNO VARIANT; Ataxia-telangiectasia; Ataxia-telangiectasia, complementation group D; AT, COMPLEMENTATION GROUP C; Ataxia-telangiectasia, complementation group E. Identifiers: Orphanet 100, MedGen C0004135, MONDO:0008840, OMIM 208900.

Allele frequency attached by ClinVar (database versions not stated): gnomAD exomes below 0.00001 and 0.00001.
gnomAD v4.1: 9 of 1,614,078 alleles (0.00056%); highest among the groups gnomAD compares: South Asian, 0.0055%; no homozygotes.

Submissions (4):

PreventionGenetics, part of Exact Sciences
Classification: Likely benign for ATM-related condition. Last evaluated: 2026-07-30. Review status: criteria provided, single submitter. Criteria: ACMG Guidelines, 2015. Collection method: clinical testing. Allele origin: germline.
Comment: This variant is classified as likely benign based on ACMG/AMP sequence variant interpretation guidelines (Richards et al. 2015 PMID: 25741868, with internal and published modifications).

Labcorp Genetics (formerly Invitae), Labcorp
Classification: Likely benign for Ataxia-telangiectasia syndrome. Last evaluated: 2024-08-12. Review status: criteria provided, single submitter. Criteria: Invitae Variant Classification Sherloc (09022015). Collection method: clinical testing. Allele origin: germline.

Myriad Genetics, Inc.
Classification: Benign for Familial cancer of breast. Last evaluated: 2024-06-20. Review status: criteria provided, single submitter. Criteria: Myriad Autosomal Dominant, Autosomal Recessive and X-Linked Classification Criteria (2023). Collection method: clinical testing. Allele origin: unknown.
Comment: This variant is considered benign. This variant is a silent/synonymous amino acid change and it is not expected to impact splicing.

Ambry Genetics
Classification: Likely benign for Hereditary cancer-predisposing syndrome. Last evaluated: 2021-08-30. Review status: criteria provided, single submitter. Criteria: Ambry Variant Classification Scheme 2023. Collection method: clinical testing. Allele origin: germline.